The following is an entry in ClinVar:

ClinVar aggregate classification (germline): Uncertain significance (1 of 4 stars; one submission).

Allele frequency attached by ClinVar (database versions not stated): 1000 Genomes Project 30x 0.00016; 1000 Genomes Project 0.00020.

Submission:

Labcorp Genetics (formerly Invitae), Labcorp
Classification: Uncertain significance. Last evaluated: 2023-07-09. Review status: criteria provided, single submitter. Criteria: Invitae Variant Classification Sherloc (09022015). Collection method: clinical testing. Allele origin: germline.
Comment: ClinVar contains an entry for this variant (Variation ID: 1917302). In summary, the available evidence is currently insufficient to determine the role of this variant in disease. Therefore, it has been classified as a Variant of Uncertain Significance. Advanced modeling of protein sequence and biophysical properties (such as structural, functional, and spatial information, amino acid conservation, physicochemical variation, residue mobility, and thermodynamic stability) performed at Invitae indicates that this missense variant is not expected to disrupt CARMIL2 protein function. This variant has not been reported in the literature in individuals affected with CARMIL2-related conditions. This variant is present in population databases (rs374661372, gnomAD 0.01%). This sequence change replaces arginine, which is basic and polar, with glutamine, which is neutral and polar, at codon 1200 of the CARMIL2 protein (p.Arg1200Gln).

NM_001013838.3(CARMIL2):c.3599G>A (p.Arg1200Gln)

Gene: CARMIL2 (capping protein regulator and myosin 1 linker 2; plus strand). Cytogenetic location: 16q22.1.
Variant type: single nucleotide variant.
Coding change: c.3599G>A on transcript NM_001013838.3 (MANE Select); coding-DNA position 3599, G replaced by A.
Protein change: p.Arg1200Gln; replaces arginine 1200 with glutamine.
Molecular consequence: missense variant.
Genome position (GRCh38, 1-based): chr16:67,654,794, G>A. VCF-style: chr16-67654794-G-A. GRCh37 (hg19) VCF-style: chr16-67688697-G-A.
Other names: c.3491G>A, p.Arg1164Gln (NM_001317026.3); short protein forms R1164Q, R1200Q.
Identifiers: ClinVar variation 1917302 (VCV001917302.3), dbSNP rs374661372, ClinGen allele CA8114085.